The following is an entry in ClinVar:

NM_000094.4(COL7A1):c.7205TTG[1] (p.Val2403del)

Gene: COL7A1 (collagen type VII alpha 1 chain; minus strand). Cytogenetic location: 3p21.31.
Variant type: Microsatellite.
Coding change: c.7205TTG[1] on transcript NM_000094.4 (MANE Select); one copy of the 3-base unit TTG starting at c.7205; the reference has two copies in a row; one copy, 3 bases deleted.
Protein change: p.Val2403del; deletes valine 2403.
Molecular consequence: inframe deletion.
Genome position (GRCh38, 1-based): chr3:48,570,923-48,570,925, CAA deleted on the plus strand (TTG on the coding strand, the reverse complement: COL7A1 is on the minus strand); deleting any 3 consecutive bases within chr3:48,570,923-48,570,930 gives the same sequence; the position shown is the placement nearest the transcript's 3' end. VCF-style (leftmost placement, unchanged base first): chr3-48570922-CCAA-C. GRCh37 (hg19) VCF-style: chr3-48608355-CCAA-C.
Other names: c.7208_7210delTTG (NM_000094.4); short protein forms V2403del.
Identifiers: ClinVar variation 2151705 (VCV002151705.3), dbSNP rs777677195, ClinGen allele CA2378601.

ClinVar aggregate classification (germline): Uncertain significance. Review status: criteria provided, multiple submitters, no conflicts (2 of 4 stars). 2 submissions from 2 submitters: Uncertain significance (2). Last evaluated 2026-01-12.

Submissions (2):

Women's Health and Genetics/Laboratory Corporation of America, LabCorp
Classification: Uncertain significance. Last evaluated: 2026-01-12. Review status: criteria provided, single submitter. Criteria: LabCorp Variant Classification Summary - May 2015. Collection method: clinical testing. Allele origin: germline.
Comment: Variant summary: COL7A1 c.7208_7210delTTG (p.Val2403del) results in an in-frame deletion that is predicted to remove one amino acid from the encoded protein. The variant allele was found at a frequency of 2.4e-05 in 248654 control chromosomes. The available data on variant occurrences in the general population are insufficient to allow any conclusion about variant significance. To our knowledge, no occurrence of c.7208_7210delTTG in individuals affected with COL7A1-related conditions and no experimental evidence demonstrating its impact on protein function have been reported. ClinVar contains an entry for this variant (Variation ID: 2151705). Based on the evidence outlined above, the variant was classified as uncertain significance.

Labcorp Genetics (formerly Invitae), Labcorp
Classification: Uncertain significance. Last evaluated: 2025-12-15. Review status: criteria provided, single submitter. Criteria: Invitae Variant Classification Sherloc (09022015). Collection method: clinical testing. Allele origin: germline.
Comment: This variant, c.7208_7210del, results in the deletion of 1 amino acid(s) of the COL7A1 protein (p.Val2403del), but otherwise preserves the integrity of the reading frame. This variant is present in population databases (rs777677195, gnomAD 0.005%). This variant has not been reported in the literature in individuals affected with COL7A1-related conditions. Experimental studies and prediction algorithms are not available or were not evaluated, and the functional significance of this variant is currently unknown. This variant disrupts the triple helix domain of COL7A1. Glycine residues within the Gly-Xaa-Yaa repeats of the triple helix domain are required for the structure and stability of fibrillar collagens (PMID: 7695699, 8218237, 19344236), and variants at these glycine residues in COL7A1 are more frequently observed in individuals with disease than in the general population (PMID: 22058051). However, the clinical significance of this observation remains uncertain since only a limited number of affected individuals have been described to date. In summary, the available evidence is currently insufficient to determine the role of this variant in disease. Therefore, it has been classified as a Variant of Uncertain Significance.

Literature cited by the submitters: PubMed 7695699 (cited by Labcorp Genetics (formerly Invitae), Labcorp); PubMed 8218237 (cited by Labcorp Genetics (formerly Invitae), Labcorp); PubMed 19344236 (cited by Labcorp Genetics (formerly Invitae), Labcorp); PubMed 22058051 (cited by Labcorp Genetics (formerly Invitae), Labcorp).